The following is an entry in ClinVar:

ClinVar aggregate classification (germline): Uncertain significance (1 of 4 stars; one submission).

Allele frequency attached by ClinVar (database versions not stated): gnomAD exomes below 0.00001.
gnomAD v4.1: 2 of 1,614,206 alleles (0.00012%); highest among the groups gnomAD compares: Non-Finnish European, 0.00017%; no homozygotes.

Submission:

Labcorp Genetics (formerly Invitae), Labcorp
Classification: Uncertain significance. Last evaluated: 2022-06-20. Review status: criteria provided, single submitter. Criteria: Invitae Variant Classification Sherloc (09022015). Collection method: clinical testing. Allele origin: germline.
Comment: This sequence change replaces methionine, which is neutral and non-polar, with threonine, which is neutral and polar, at codon 3511 of the LRP2 protein (p.Met3511Thr). This variant is present in population databases (no rsID available, gnomAD 0.0009%). This variant has not been reported in the literature in individuals affected with LRP2-related conditions. Advanced modeling of protein sequence and biophysical properties (such as structural, functional, and spatial information, amino acid conservation, physicochemical variation, residue mobility, and thermodynamic stability) performed at Invitae indicates that this missense variant is not expected to disrupt LRP2 protein function. In summary, the available evidence is currently insufficient to determine the role of this variant in disease. Therefore, it has been classified as a Variant of Uncertain Significance.

NM_004525.3(LRP2):c.10532T>C (p.Met3511Thr)

Gene: LRP2 (LDL receptor related protein 2; minus strand). Cytogenetic location: 2q31.1.
Variant type: single nucleotide variant.
Coding change: c.10532T>C on transcript NM_004525.3 (MANE Select); coding-DNA position 10532, T replaced by C.
Protein change: p.Met3511Thr; replaces methionine 3511 with threonine.
Molecular consequence: missense variant.
Genome position (GRCh38, 1-based): chr2:169,176,450, A>G on the plus strand (T>C on the coding strand, the complement: LRP2 is on the minus strand). VCF-style: chr2-169176450-A-G. GRCh37 (hg19) VCF-style: chr2-170032960-A-G.
Other names: short protein forms M3511T.
Identifiers: ClinVar variation 2106787 (VCV002106787.1), dbSNP rs1251306170, ClinGen allele CA349146858.